The following is an entry in ClinVar:

NM_000426.4(LAMA2):c.4167_4170del (p.Ser1390fs)

Gene: LAMA2 (laminin subunit alpha 2; plus strand). Cytogenetic location: 6q22.33.
Variant type: Deletion.
Coding change: c.4167_4170del on transcript NM_000426.4 (MANE Select); coding-DNA positions 4167 to 4170, 4 bases deleted (GTCC; older notation c.4167_4170delGTCC).
Protein change: p.Ser1390fs; shifts the reading frame from serine 1390.
Molecular consequence: frameshift variant.
Genome position (GRCh38, 1-based): chr6:129,320,646-129,320,649, GTCC deleted. VCF-style (leftmost placement, unchanged base first): chr6-129320645-TGTCC-T. GRCh37 (hg19) VCF-style: chr6-129641790-TGTCC-T.
Other names: c.4167_4170del, p.Ser1390fs (NM_001079823.2); short protein forms S1390fs.
Identifiers: ClinVar variation 1726147 (VCV001726147.3), dbSNP rs2482440163, ClinGen allele CA2580074965.

ClinVar aggregate classification (germline): Likely pathogenic (1 of 4 stars; one submission).

Conditions:
LAMA2-related muscular dystrophy (LAMA2-RD). Also called: Laminin alpha 2-related dystrophy. Identifiers: MedGen C5679788, MONDO:0100228.

Submission:

Myriad Genetics, Inc.
Classification: Likely pathogenic for LAMA2-related muscular dystrophy. Last evaluated: 2022-05-18. Review status: criteria provided, single submitter. Criteria: Myriad Autosomal Dominant, Autosomal Recessive and X-Linked Classification Criteria (2023). Collection method: clinical testing. Allele origin: unknown.
Comment: NM_000426.3(LAMA2):c.4167_4170delGTCC(S1390Vfs*83) is expected to be pathogenic in the context of muscular dystrophy, LAMA2-related. This variant is predicted to lead to an abnormal or absent protein product due to the creation of a premature termination codon in LAMA2, a gene where loss-of-function variants are known to be pathogenic. Please note: this variant was assessed in the context of healthy population screening.